The following is an entry in ClinVar:

ClinVar aggregate classification (germline): Conflicting classifications of pathogenicity. Review status: criteria provided, conflicting classifications (1 of 4 stars). 3 submissions from 3 submitters: Uncertain significance (2); Likely benign (1). Last evaluated 2024-12-01.

Conditions:
Abnormal corpus callosum morphology. Also called: Abnormality of the corpus callosum; Corpus callosum abnormalities. Identifiers: MedGen C1842581, HP:0001273.

Allele frequency attached by ClinVar (database versions not stated): 1000 Genomes Project 30x 0.00172; 1000 Genomes Project 0.00180; gnomAD 0.00264 and 0.00270; TOPMed 0.00271; ESP Exome Variant Server 0.00277.

Submissions (3):

CeGaT Center for Human Genetics Tuebingen
Classification: Likely benign. Last evaluated: 2024-12-01. Review status: criteria provided, single submitter. Criteria: CeGaT Center For Human Genetics Tuebingen Variant Classification Criteria Version 2. Collection method: clinical testing. Allele origin: germline. Affected: yes. Observed: 3 variant alleles.
Comment: ASTN1: BS2

Lupski Lab, Baylor-Hopkins CMG, Baylor College of Medicine
Classification: Uncertain significance for Abnormal corpus callosum morphology. Last evaluated: 2017-09-01. Review status: criteria provided, single submitter. Criteria: Wiszniewski et al. (Eur J Hum Genet. 2018). Collection method: research. Allele origin: inherited, unknown. Inheritance: Autosomal recessive inheritance. Affected: yes and no. Observed: 2 variant alleles.

Breakthrough Genomics
Classification: Uncertain significance. Review status: criteria provided, single submitter. Criteria: ACMG Guidelines, 2015. Collection method: not provided. Allele origin: germline. Inheritance: Unknown mechanism. Affected: yes.

NM_004319.3(ASTN1):c.3283A>C (p.Met1095Leu)

Gene: ASTN1 (astrotactin 1; minus strand). Cytogenetic location: 1q25.2.
Variant type: single nucleotide variant.
Coding change: c.3283A>C on transcript NM_004319.3 (MANE Select); coding-DNA position 3283, A replaced by C.
Protein change: p.Met1095Leu; replaces methionine 1095 with leucine.
Molecular consequence: missense variant.
Genome position (GRCh38, 1-based): chr1:176,882,938, T>G on the plus strand (A>C on the coding strand, the complement: ASTN1 is on the minus strand). VCF-style: chr1-176882938-T-G. GRCh37 (hg19) VCF-style: chr1-176852074-T-G.
Other names: c.3283A>C, p.Met1095Leu (NM_207108.3, NM_001286164.2); c.3307A>C, p.Met1103Leu (NM_001364856.2); short protein forms M1095L, M1103L.
Identifiers: ClinVar variation 438600 (VCV000438600.26), dbSNP rs151246825, ClinGen allele CA1258609.